The following is an entry in ClinVar:

NM_001267550.2(TTN):c.97795+202T>C

Genes: TTN (titin; minus strand), TTN-AS1 (TTN antisense RNA 1; plus strand). Cytogenetic location: 2q31.2.
Variant type: single nucleotide variant.
Coding change: c.97795+202T>C on transcript NM_001267550.2 (MANE Select); 202 bases into the intron after coding-DNA position 97795, T replaced by C.
Molecular consequence: intron variant.
Genome position (GRCh38, 1-based): chr2:178,541,080, A>G on the plus strand (T>C on the coding strand, the complement: TTN is on the minus strand). VCF-style: chr2-178541080-A-G. GRCh37 (hg19) VCF-style: chr2-179405807-A-G.
Other names: c.70600+202T>C (NM_003319.4); c.71176+202T>C (NM_133437.4); c.70975+202T>C (NM_133432.3); c.90091+202T>C (NM_133378.4); c.92872+202T>C (NM_001256850.1).
Identifiers: ClinVar variation 672663 (VCV000672663.2), dbSNP rs3820978, ClinGen allele CA11091748.

ClinVar aggregate classification (germline): Benign. Review status: criteria provided, multiple submitters, no conflicts (2 of 4 stars). 2 submissions from 2 submitters: Benign (2). Last evaluated 2018-06-14.

Allele frequency attached by ClinVar (database versions not stated): TOPMed 0.37607; 1000 Genomes Project 30x 0.50265; 1000 Genomes Project 0.50719.

Submissions (2):

GeneDx
Classification: Benign. Last evaluated: 2018-06-14. Review status: criteria provided, single submitter. Criteria: GeneDx Variant Classification (06012015). Collection method: clinical testing. Allele origin: germline. Affected: yes.
Comment: This variant is considered likely benign or benign based on one or more of the following criteria: it is a conservative change, it occurs at a poorly conserved position in the protein, it is predicted to be benign by multiple in silico algorithms, and/or has population frequency not consistent with disease.

Breakthrough Genomics
Classification: Benign. Review status: criteria provided, single submitter. Criteria: ACMG Guidelines, 2015. Collection method: not provided. Allele origin: germline. Inheritance: Autosomal recessive inheritance. Affected: yes.